The following is an entry in ClinVar:

NM_001177316.2(SLC34A3):c.560+32_560+33del

Gene: SLC34A3 (solute carrier family 34 member 3; plus strand). Cytogenetic location: 9q34.3.
Variant type: Deletion.
Coding change: c.560+32_560+33del on transcript NM_001177316.2 (MANE Select); bases 32 to 33 of the intron after coding-DNA position 560, 2 bases deleted (CT; older notation c.560+32_560+33delCT).
Molecular consequence: intron variant.
Genome position (GRCh38, 1-based): chr9:137,233,147-137,233,148, CT deleted. VCF-style (leftmost placement, unchanged base first): chr9-137233146-GCT-G. GRCh37 (hg19) VCF-style: chr9-140127598-GCT-G.
Other names: c.560+32_560+33del (NM_001177317.2, NM_080877.3).
Identifiers: ClinVar variation 4982233 (VCV004982233.1).

ClinVar aggregate classification (germline): Likely benign (1 of 4 stars; one submission).

Conditions:
SLC34A3-related disorder. Also called: SLC34A3-related condition.

Submission:

PreventionGenetics, part of Exact Sciences
Classification: Likely benign for SLC34A3-related condition. Last evaluated: 2025-02-08. Review status: criteria provided, single submitter. Criteria: ACMG Guidelines, 2015. Collection method: clinical testing. Allele origin: germline.
Comment: This variant is classified as likely benign based on ACMG/AMP sequence variant interpretation guidelines (Richards et al. 2015 PMID: 25741868, with internal and published modifications).